The following is an entry in ClinVar:

NM_000551.4(VHL):c.207_208dup (p.Glu70fs)

Gene: VHL (von Hippel-Lindau tumor suppressor; plus strand). Cytogenetic location: 3p25.3.
Variant type: Microsatellite.
Coding change: c.207_208dup on transcript NM_000551.4 (MANE Select); coding-DNA positions 207 to 208, 2 bases duplicated (CG; older notation c.207_208dupCG).
Protein change: p.Glu70fs; shifts the reading frame from glutamic acid 70.
Molecular consequence: frameshift variant.
Genome position (GRCh38, 1-based): chr3:10,142,054-10,142,055, CG duplicated; duplicating any 2 consecutive bases within chr3:10,142,050-10,142,055 gives the same sequence; the c. name uses the placement nearest the transcript's 3' end. VCF-style (leftmost placement, unchanged base first): chr3-10142049-T-TCG. GRCh37 (hg19) VCF-style: chr3-10183733-T-TCG.
Other names: c.203_204CG[4], p.Glu70Alafs (NM_000551.3); c.207_208dup, p.Glu70fs (NM_001354723.2, NM_198156.3); c.207_208dupCG (NM_000551.3); short protein forms E70fs.
Identifiers: ClinVar variation 1785370 (VCV001785370.2), dbSNP rs2470158066, ClinGen allele CA645524692.
Genomic context (GRCh38, chr3:10,142,049, plus strand): 5'-CTGGGCGCCGAGGAGGAGATGGAGGCCGGGCGGCCGCGGCCCGTGCTGCGCTCGGTGAAC[T>TCG]CGCGCGAGCCCTCCCAGGTCATCTTCTGCAATCGCAGTCCGCGCGTCGTGCTGCCCGTAT-3'

ClinVar aggregate classification (germline): Pathogenic (1 of 4 stars; one submission).

Conditions:
Hereditary cancer-predisposing syndrome. Also called: Neoplastic Syndromes, Hereditary; Tumor predisposition; Hereditary Cancer Syndrome; Hereditary neoplastic syndrome. Identifiers: Orphanet 140162, MedGen C0027672, MeSH D009386, MONDO:0015356.

Submission:

Ambry Genetics
Classification: Pathogenic for Hereditary cancer-predisposing syndrome. Last evaluated: 2023-09-27. Review status: criteria provided, single submitter. Criteria: Ambry Variant Classification Scheme 2023. Collection method: clinical testing. Allele origin: germline.
Comment: The c.207_208dupCG pathogenic mutation, located in coding exon 1 of the VHL gene, results from a duplication of CG at nucleotide position 207, causing a translational frameshift with a predicted alternate stop codon (p.E70Afs*90). This alteration occurs at the 3' terminus of theVHL gene, is not expected to trigger nonsense-mediated mRNA decay, and only impacts the last 144 amino acids of the protein. However, premature stop codons are typically deleterious in nature, the impacted region is critical for protein function, and a significant portion of the protein is affected (Ambry internal data). This alteration has been observed in at least one individual with a personal and/or family history that is consistent with VHL-related disease (Ambry internal data). This variant is considered to be rare based on population cohorts in the Genome Aggregation Database (gnomAD). Based on the supporting evidence, this alteration is interpreted as a disease-causing mutation.